The following is an entry in ClinVar:

NM_000204.5(CFI):c.380T>C (p.Val127Ala)

Gene: CFI (complement factor I; minus strand). Cytogenetic location: 4q25.
Variant type: single nucleotide variant.
Coding change: c.380T>C on transcript NM_000204.5 (MANE Select); coding-DNA position 380, T replaced by C.
Protein change: p.Val127Ala; replaces valine 127 with alanine.
Molecular consequence: missense variant. On other transcripts: non-coding transcript variant (3), intron variant (1).
Genome position (GRCh38, 1-based): chr4:109,764,639, A>G on the plus strand (T>C on the coding strand, the complement: CFI is on the minus strand). VCF-style: chr4-109764639-A-G. GRCh37 (hg19) VCF-style: chr4-110685795-A-G.
Other names: c.380T>C, p.Val127Ala (NM_001318057.2, NM_001331035.2, NM_001375278.1 and 10 more transcripts); c.-127-2947T>C (NM_001375284.1); short protein forms V127A.
Identifiers: ClinVar variation 4280551 (VCV004280551.2).

ClinVar aggregate classification (germline): Uncertain significance. Review status: criteria provided, multiple submitters, no conflicts (2 of 4 stars). 2 submissions from 2 submitters: Uncertain significance (2). Last evaluated 2025-09-26.

Conditions:
CFI-related disorder. Also called: CFI-related disorders; CFI-related condition. Identifiers: MedGen CN239325.

gnomAD v4.1: 5 of 1,614,096 alleles (0.00031%); highest among the groups gnomAD compares: Admixed American, 0.0017%; no homozygotes.

Submissions (2):

Genomenon, Inc
Classification: Uncertain significance for CFI-related disorder. Last evaluated: 2025-09-26. Review status: criteria provided, single submitter. Criteria: Genomenon Sequence Variant Interpretation Standards - Updated. Collection method: curation. Allele origin: germline. Affected: no.
Comment: CFI p.Val127Ala (c.380T>C) is a missense variant that changes the amino acid at residue 127 from Valine to Alanine. This variant has been reported in the published literature (PMID:32510551). The variant is located in a mutational hotspot. It is absent or not present at a significant frequency in gnomAD. In silico models agree that this variant is not damaging. In conclusion, we classify CFI p.Val127Ala (c.380T>C) as a variant of unknown significance.

Labcorp Genetics (formerly Invitae), Labcorp
Classification: Uncertain significance. Last evaluated: 2025-08-10. Review status: criteria provided, single submitter. Criteria: Invitae Variant Classification Sherloc (09022015). Collection method: clinical testing. Allele origin: germline.
Comment: This sequence change replaces valine, which is neutral and non-polar, with alanine, which is neutral and non-polar, at codon 127 of the CFI protein (p.Val127Ala). This variant is not present in population databases (gnomAD no frequency). This missense change has been observed in individual(s) with age-related macular degeneration (PMID: 24036952). Invitae Evidence Modeling of protein sequence and biophysical properties (such as structural, functional, and spatial information, amino acid conservation, physicochemical variation, residue mobility, and thermodynamic stability) indicates that this missense variant is not expected to disrupt CFI protein function with a negative predictive value of 95%. Experimental studies have shown that this missense change affects CFI function (PMID: 32510551). In summary, the available evidence is currently insufficient to determine the role of this variant in disease. Therefore, it has been classified as a Variant of Uncertain Significance.

Literature cited by the submitters: PubMed 32510551 (cited by Genomenon, Inc and Labcorp Genetics (formerly Invitae), Labcorp); PubMed 24036952 (cited by Labcorp Genetics (formerly Invitae), Labcorp).